The following is an entry in ClinVar:

NM_018127.7(ELAC2):c.273del (p.Gln92fs)

Gene: ELAC2 (elaC ribonuclease Z 2; minus strand). Cytogenetic location: 17p12.
Variant type: Deletion.
Coding change: c.273del on transcript NM_018127.7 (MANE Select); coding-DNA position 273, one base deleted (T; older notation c.273delT).
Protein change: p.Gln92fs; shifts the reading frame from glutamine 92.
Molecular consequence: frameshift variant.
Genome position (GRCh38, 1-based): chr17:13,017,094, A deleted on the plus strand (T on the coding strand, the reverse complement: ELAC2 is on the minus strand); the first of 2 consecutive A bases (chr17:13,017,094-13,017,095); deleting either gives the same sequence. VCF-style (leftmost placement, unchanged base first): chr17-13017093-GA-G. GRCh37 (hg19) VCF-style: chr17-12920410-GA-G.
Other names: c.273del, p.Gln92fs (NM_001165962.2, NM_173717.2); short protein forms Q92fs.
Identifiers: ClinVar variation 1455401 (VCV001455401.8), dbSNP rs748788377, ClinGen allele CA8401756.

ClinVar aggregate classification (germline): Pathogenic (1 of 4 stars; one submission).

Conditions:
Combined oxidative phosphorylation defect type 17. Also called: Combined oxidative phosphorylation deficiency 17. Identifiers: Orphanet 369913, MedGen C3809526, MONDO:0014190, OMIM 615440.

Submission:

Labcorp Genetics (formerly Invitae), Labcorp
Classification: Pathogenic for Combined oxidative phosphorylation defect type 17. Last evaluated: 2025-08-17. Review status: criteria provided, single submitter. Criteria: Invitae Variant Classification Sherloc (09022015). Collection method: clinical testing. Allele origin: germline.
Comment: This sequence change creates a premature translational stop signal (p.Gln92Argfs*9) in the ELAC2 gene. It is expected to result in an absent or disrupted protein product. Loss-of-function variants in ELAC2 are known to be pathogenic (PMID: 27769300, 31045291). This variant is present in population databases (rs748788377, gnomAD 0.003%). This premature translational stop signal has been observed in individual(s) with exertional rhabdomyolysis (PMID: 30094188). ClinVar contains an entry for this variant (Variation ID: 1455401). For these reasons, this variant has been classified as Pathogenic.

Literature cited by the submitters: PubMed 27769300; PubMed 31045291; PubMed 30094188.